The following is an entry in ClinVar:

ClinVar aggregate classification (germline): Uncertain significance. Review status: criteria provided, multiple submitters, no conflicts (2 of 4 stars). 2 submissions from 2 submitters: Uncertain significance (2). Last evaluated 2023-12-06.

Conditions:
Inborn genetic diseases. Identifiers: MedGen C0950123, MeSH D030342.

Allele frequency attached by ClinVar (database versions not stated): gnomAD exomes 0.00002 and 0.00001; ExAC 0.00004; TOPMed below 0.00001; gnomAD 0.00001.
gnomAD v4.1: 21 of 1,613,920 alleles (0.0013%); highest among the groups gnomAD compares: Middle Eastern, 0.016%; no homozygotes.

Submissions (2):

Ambry Genetics
Classification: Uncertain significance for Inborn genetic diseases. Last evaluated: 2023-12-06. Review status: criteria provided, single submitter. Criteria: Ambry Variant Classification Scheme 2023. Collection method: clinical testing. Allele origin: germline.

Labcorp Genetics (formerly Invitae), Labcorp
Classification: Uncertain significance. Last evaluated: 2020-12-24. Review status: criteria provided, single submitter. Criteria: Invitae Variant Classification Sherloc (09022015). Collection method: clinical testing. Allele origin: germline.
Comment: In summary, the available evidence is currently insufficient to determine the role of this variant in disease. Therefore, it has been classified as a Variant of Uncertain Significance. Advanced modeling of protein sequence and biophysical properties (such as structural, functional, and spatial information, amino acid conservation, physicochemical variation, residue mobility, and thermodynamic stability) performed at Invitae indicates that this missense variant is not expected to disrupt FAT4 protein function. This variant has not been reported in the literature in individuals with FAT4-related conditions. This variant is present in population databases (rs766392638, ExAC 0.02%). This sequence change replaces arginine with histidine at codon 4799 of the FAT4 protein (p.Arg4799His). The arginine residue is highly conserved and there is a small physicochemical difference between arginine and histidine.

NM_001291303.3(FAT4):c.14402G>A (p.Arg4801His)

Gene: FAT4 (FAT atypical cadherin 4; plus strand). Cytogenetic location: 4q28.1.
Variant type: single nucleotide variant.
Coding change: c.14402G>A on transcript NM_001291303.3 (MANE Select); coding-DNA position 14402, G replaced by A.
Protein change: p.Arg4801His; replaces arginine 4801 with histidine.
Molecular consequence: missense variant.
Genome position (GRCh38, 1-based): chr4:125,491,218, G>A. VCF-style: chr4-125491218-G-A. GRCh37 (hg19) VCF-style: chr4-126412373-G-A.
Other names: c.14399G>A, p.Arg4800His (NM_001291285.3); c.14396G>A, p.Arg4799His (NM_024582.6); c.14396G>A (NM_024582.4); short protein forms R4801H, R4799H, R4800H.
Identifiers: ClinVar variation 1485106 (VCV001485106.7), dbSNP rs766392638, ClinGen allele CA3074558.
Genomic context (GRCh38, chr4:125,491,218, plus strand): 5'-TGGAATCTTCTCCTCCAGTCGGACTTTCTATTGAAGAAGTGGAGAGGCTCAACACACCTC[G>A]CCCTAGAAACCCAAGTATCTGCAGTGCAGACCATGGGAGGTCTTCTTCAGAGGAGGACTG-3'
Protein context (NP_001278232.1, residues 4791-4811): IEEVERLNTP[Arg4801His]PRNPSICSAD